The following is an entry in ClinVar:

ClinVar aggregate classification (germline): Uncertain significance. Review status: criteria provided, multiple submitters, no conflicts (2 of 4 stars). 5 submissions from 3 submitters: Uncertain significance (5). Last evaluated 2025-02-02.

Conditions:
RYR1-related disorder. Also called: RYR1-related disorders; RYR1-related condition. Identifiers: MedGen CN239331.
Congenital multicore myopathy with external ophthalmoplegia (CMYO1B). Also called: MULTIMINICORE DISEASE WITH EXTERNAL OPHTHALMOPLEGIA; Congenital myopathy 1B, autosomal recessive; Minicore myopathy; Minicore myopathy with external ophthalmoplegia; MULTICORE MYOPATHY. Identifiers: Orphanet 598, Orphanet 98905, MedGen C1850674, MONDO:0009712, OMIM 255320, HP:0003789.
Malignant hyperthermia, susceptibility to, 1 (MHS1). Also called: Anesthesia related hyperthermia; Malignant hyperpyrexia; Fulminating hyperpyrexia; Pharmacogenic myopathy; RYR1-Related Malignant Hyperthermia Susceptibility; Malignant hyperthermia suceptibility 1. Identifiers: Orphanet 423, MedGen C2930980, MONDO:0007783, OMIM 145600.
Central core myopathy (CMYO1A). Also called: CONGENITAL MYOPATHY 1A, AUTOSOMAL DOMINANT, WITH SUSCEPTIBILITY TO MALIGNANT HYPERTHERMIA; Central core disease; Myopathy, central fibrillar. Identifiers: Orphanet 597, MedGen C5830701, MONDO:0007294, OMIM 117000.

Allele frequency attached by ClinVar (database versions not stated): gnomAD 0.00001; gnomAD exomes 0.00002 and 0.00006; ExAC 0.00010.
gnomAD v4.1: 28 of 1,482,772 alleles (0.0019%); highest among the groups gnomAD compares: South Asian, 0.03%; no homozygotes.

Submissions (5):

Labcorp Genetics (formerly Invitae), Labcorp
Classification: Uncertain significance for RYR1-related disorder. Last evaluated: 2025-02-02. Review status: criteria provided, single submitter. Criteria: Invitae Variant Classification Sherloc (09022015). Collection method: clinical testing. Allele origin: germline.
Comment: This sequence change replaces serine, which is neutral and polar, with threonine, which is neutral and polar, at codon 4361 of the RYR1 protein (p.Ser4361Thr). This variant is present in population databases (rs746798861, gnomAD 0.02%). This missense change has been observed in individual(s) with myopathy (PMID: 32236737). ClinVar contains an entry for this variant (Variation ID: 590423). Invitae Evidence Modeling of protein sequence and biophysical properties (such as structural, functional, and spatial information, amino acid conservation, physicochemical variation, residue mobility, and thermodynamic stability) indicates that this missense variant is not expected to disrupt RYR1 protein function with a negative predictive value of 80%. In summary, the available evidence is currently insufficient to determine the role of this variant in disease. Therefore, it has been classified as a Variant of Uncertain Significance.

Illumina Laboratory Services, Illumina
Classification: Uncertain significance for Central core myopathy. Last evaluated: 2018-01-13. Review status: criteria provided, single submitter. Criteria: ICSL Variant Classification Criteria 13 December 2019. Collection method: clinical testing. Allele origin: germline.

Illumina Laboratory Services, Illumina
Classification: Uncertain significance for Congenital multicore myopathy with external ophthalmoplegia. Last evaluated: 2018-01-13. Review status: criteria provided, single submitter. Criteria: ICSL Variant Classification Criteria 13 December 2019. Collection method: clinical testing. Allele origin: germline.

Illumina Laboratory Services, Illumina
Classification: Uncertain significance for Malignant hyperthermia, susceptibility to, 1. Last evaluated: 2018-01-13. Review status: criteria provided, single submitter. Criteria: ICSL Variant Classification Criteria 13 December 2019. Collection method: clinical testing. Allele origin: germline.

PreventionGenetics, part of Exact Sciences
Classification: Uncertain significance. Last evaluated: 2016-12-29. Review status: criteria provided, single submitter. Criteria: ACMG Guidelines, 2015. Collection method: clinical testing. Allele origin: germline.

Literature cited by the submitters: PubMed 32236737 (cited by Labcorp Genetics (formerly Invitae), Labcorp).

NM_000540.3(RYR1):c.13081T>A (p.Ser4361Thr)

Gene: RYR1 (ryanodine receptor 1; plus strand). Cytogenetic location: 19q13.2.
Variant type: single nucleotide variant.
Coding change: c.13081T>A on transcript NM_000540.3 (MANE Select); coding-DNA position 13081, T replaced by A.
Protein change: p.Ser4361Thr; replaces serine 4361 with threonine.
Molecular consequence: missense variant.
Genome position (GRCh38, 1-based): chr19:38,565,415, T>A. VCF-style: chr19-38565415-T-A. GRCh37 (hg19) VCF-style: chr19-39056055-T-A.
Other names: c.13066T>A, p.Ser4356Thr (NM_001042723.2); short protein forms S4361T, S4356T.
Identifiers: ClinVar variation 590423 (VCV000590423.12), dbSNP rs746798861, ClinGen allele CA059555.
Genomic context (GRCh38, chr19:38,565,415, plus strand): 5'-ACGCGCGCTGGGGCCGCTGGCGCGGGGGCGGCGGCGGGCGCGCTGGGCCTGCTCTGGGGC[T>A]CGCTGTTCGGCGGCGGCCTGGTGGAGGGCGCCAAGAAGGTGACGGTGACCGAGCTCCTGG-3'
Protein context (NP_000531.2, residues 4351-4371): AAGALGLLWG[Ser4361Thr]LFGGGLVEGA